The following is an entry in ClinVar:

ClinVar aggregate classification (germline): Uncertain significance. Review status: criteria provided, multiple submitters, no conflicts (2 of 4 stars). 5 submissions from 5 submitters: Uncertain significance (4). 1 of the submissions does not count toward it. Last evaluated 2025-03-03.

Conditions:
TH-deficient dopa-responsive dystonia. Also called: Tyrosine Hydroxylase-Deficient Dopa-Responsive Dystonia; DYT-TH; Segawa syndrome, autosomal recessive. Identifiers: Orphanet 101150, MedGen C2673535, MONDO:0011551, OMIM 605407.
Inborn genetic diseases. Identifiers: MedGen C0950123, MeSH D030342.

Allele frequency attached by ClinVar (database versions not stated): ExAC 0.00002; TOPMed 0.00004; gnomAD 0.00004; gnomAD exomes 0.00004; ESP Exome Variant Server 0.00008.
gnomAD v4.1: 57 of 1,613,528 alleles (0.0035%); highest among the groups gnomAD compares: Non-Finnish European, 0.0047%; no homozygotes.

Submissions (5):

Ambry Genetics
Classification: Uncertain significance for Inborn genetic diseases. Last evaluated: 2025-03-03. Review status: criteria provided, single submitter. Criteria: Ambry Variant Classification Scheme 2023. Collection method: clinical testing. Allele origin: germline.

Labcorp Genetics (formerly Invitae), Labcorp
Classification: Uncertain significance for TH-deficient dopa-responsive dystonia. Last evaluated: 2022-07-03. Review status: criteria provided, single submitter. Criteria: Invitae Variant Classification Sherloc (09022015). Collection method: clinical testing. Allele origin: germline.
Comment: This sequence change replaces valine, which is neutral and non-polar, with leucine, which is neutral and non-polar, at codon 133 of the TH protein (p.Val133Leu). This variant is present in population databases (rs372077622, gnomAD 0.008%). This variant has not been reported in the literature in individuals affected with TH-related conditions. ClinVar contains an entry for this variant (Variation ID: 586831). Advanced modeling of protein sequence and biophysical properties (such as structural, functional, and spatial information, amino acid conservation, physicochemical variation, residue mobility, and thermodynamic stability) performed at Invitae indicates that this missense variant is not expected to disrupt TH protein function. In summary, the available evidence is currently insufficient to determine the role of this variant in disease. Therefore, it has been classified as a Variant of Uncertain Significance.

Athena Diagnostics
Classification: Uncertain significance. Last evaluated: 2018-07-23. Review status: criteria provided, single submitter. Criteria: Athena Diagnostics Criteria. Collection method: clinical testing. Allele origin: germline.

Illumina Laboratory Services, Illumina
Classification: Uncertain significance for TH-deficient dopa-responsive dystonia. Last evaluated: 2018-01-12. Review status: criteria provided, single submitter. Criteria: ICSL Variant Classification Criteria 13 December 2019. Collection method: clinical testing. Allele origin: germline.

Natera, Inc.
Classification: Uncertain significance for Autosomal recessive Segawa syndrome. Last evaluated: 2019-11-11. Review status: no assertion criteria provided. Collection method: clinical testing. Allele origin: germline. Not counted in ClinVar's aggregate classification.

NM_000360.4(TH):c.304G>T (p.Val102Leu)

Gene: TH (tyrosine hydroxylase; minus strand). Cytogenetic location: 11p15.5.
Variant type: single nucleotide variant.
Coding change: c.304G>T on transcript NM_000360.4 (MANE Select); coding-DNA position 304, G replaced by T.
Protein change: p.Val102Leu; replaces valine 102 with leucine.
Molecular consequence: missense variant.
Genome position (GRCh38, 1-based): chr11:2,169,658, C>A on the plus strand (G>T on the coding strand, the complement: TH is on the minus strand). VCF-style: chr11-2169658-C-A. GRCh37 (hg19) VCF-style: chr11-2190888-C-A.
Other names: c.397G>T, p.Val133Leu (NM_199292.3); c.385G>T, p.Val129Leu (NM_199293.3); short protein forms V133L, V102L, V129L.
Identifiers: ClinVar variation 586831 (VCV000586831.15), dbSNP rs372077622, ClinGen allele CA5818730.
Genomic context (GRCh38, chr11:2,169,658, plus strand): 5'-AGCCCCACCCACAGGTGAACTTGCCCCAGGGACACGAAGGCCACCAGCTCACCTCAAACA[C>A]CTTCACAGCTCGGGACAGCGCCGAGGGCTTGGTGGCCCTCGGGGAGAAGAGCAGGTTTAG-3'
Protein context (NP_000351.2, residues 92-112): KPSALSRAVK[Val102Leu]FETFEAKIHH